The following is an entry in ClinVar:

NM_000069.3(CACNA1S):c.3335G>A (p.Trp1112Ter)

Gene: CACNA1S (calcium voltage-gated channel subunit alpha1 S; minus strand). Cytogenetic location: 1q32.1.
Variant type: single nucleotide variant.
Coding change: c.3335G>A on transcript NM_000069.3 (MANE Select); coding-DNA position 3335, G replaced by A.
Protein change: p.Trp1112Ter; replaces tryptophan 1112 with a stop codon.
Molecular consequence: nonsense.
Genome position (GRCh38, 1-based): chr1:201,060,737, C>T on the plus strand (G>A on the coding strand, the complement: CACNA1S is on the minus strand). VCF-style: chr1-201060737-C-T. GRCh37 (hg19) VCF-style: chr1-201029865-C-T.
Other names: short protein forms W1112*.
Identifiers: ClinVar variation 1694540 (VCV001694540.31), dbSNP rs2102573564, ClinGen allele CA344160608.
Genomic context (GRCh38, chr1:201,060,737, plus strand): 5'-GTGTTGAGCATGATGAGGGCAAACATCAGGTATTCAAAGTAGGAGGAGGTGACAATGTAC[C>T]ACACCTGGTACTGGTATGGGTTTTTGGGAATGTAGCACCTCAGTGGGCGGGCCTTCAGGG-3'

ClinVar aggregate classification (germline): Likely pathogenic (1 of 4 stars; one submission).

Submission:

CeGaT Center for Human Genetics Tuebingen
Classification: Likely pathogenic. Last evaluated: 2022-05-01. Review status: criteria provided, single submitter. Criteria: CeGaT Center For Human Genetics Tuebingen Variant Classification Criteria Version 2. Collection method: clinical testing. Allele origin: germline. Affected: yes. Observed: 1 variant allele.
Comment: CACNA1S: PVS1:Strong, PM2